The following is an entry in ClinVar:

NM_032043.3(BRIP1):c.2187del (p.Gly730fs)

Gene: BRIP1 (BRCA1 interacting DNA helicase 1; minus strand). Cytogenetic location: 17q23.2.
Variant type: Deletion.
Coding change: c.2187del on transcript NM_032043.3 (MANE Select); coding-DNA position 2187, one base deleted (A; older notation c.2187delA).
Protein change: p.Gly730fs; shifts the reading frame from glycine 730.
Molecular consequence: frameshift variant.
Genome position (GRCh38, 1-based): chr17:61,744,502, T deleted on the plus strand (A on the coding strand, the reverse complement: BRIP1 is on the minus strand). VCF-style (leftmost placement, unchanged base first): chr17-61744501-CT-C. GRCh37 (hg19) VCF-style: chr17-59821862-CT-C.
Other names: short protein forms G730fs.
Identifiers: ClinVar variation 2948808 (VCV002948808.3), dbSNP rs2544837337, ClinGen allele CA2740093853.

ClinVar aggregate classification (germline): Pathogenic (1 of 4 stars; one submission).

Conditions:
Fanconi anemia complementation group J. Also called: BRIP1-Related Fanconi Anemia. Identifiers: Orphanet 84, MedGen C1836860, MONDO:0012187, OMIM 609054.
Familial cancer of breast. Also called: BREAST CANCER, FAMILIAL; Hereditary breast cancer; hereditary breast carcinoma. Identifiers: Orphanet 227535, MedGen C0346153, MONDO:0016419, OMIM 114480. Disease mechanism: loss of function.

Submission:

Labcorp Genetics (formerly Invitae), Labcorp
Classification: Pathogenic for Familial cancer of breast; Fanconi anemia complementation group J. Last evaluated: 2023-06-26. Review status: criteria provided, single submitter. Criteria: Invitae Variant Classification Sherloc (09022015). Collection method: clinical testing. Allele origin: germline.
Comment: This variant is not present in population databases (gnomAD no frequency). For these reasons, this variant has been classified as Pathogenic. This variant has not been reported in the literature in individuals affected with BRIP1-related conditions. This sequence change creates a premature translational stop signal (p.Gly730Glufs*29) in the BRIP1 gene. It is expected to result in an absent or disrupted protein product. Loss-of-function variants in BRIP1 are known to be pathogenic (PMID: 16116423, 17033622, 21964575).

Literature cited by the submitters: PubMed 16116423; PubMed 17033622; PubMed 21964575.